The following is an entry in ClinVar:

ClinVar aggregate classification (germline): Uncertain significance. Review status: criteria provided, multiple submitters, no conflicts (2 of 4 stars). 2 submissions from 2 submitters: Uncertain significance (2). Last evaluated 2024-12-25.

Allele frequency attached by ClinVar (database versions not stated): TOPMed below 0.00001; gnomAD 0.00001; gnomAD exomes 0.00001.
gnomAD v4.1: 4 of 1,614,084 alleles (0.00025%); highest among the groups gnomAD compares: African/African-American, 0.0013%; no homozygotes.

Submissions (2):

Ambry Genetics
Classification: Uncertain significance. Last evaluated: 2024-12-25. Review status: criteria provided, single submitter. Criteria: Ambry Variant Classification Scheme 2023. Collection method: clinical testing. Allele origin: germline.

Labcorp Genetics (formerly Invitae), Labcorp
Classification: Uncertain significance. Last evaluated: 2022-05-27. Review status: criteria provided, single submitter. Criteria: Invitae Variant Classification Sherloc (09022015). Collection method: clinical testing. Allele origin: germline.
Comment: This sequence change replaces lysine, which is basic and polar, with threonine, which is neutral and polar, at codon 65 of the EXOSC2 protein (p.Lys65Thr). This variant is not present in population databases (gnomAD no frequency). This variant has not been reported in the literature in individuals affected with EXOSC2-related conditions. Algorithms developed to predict the effect of missense changes on protein structure and function (SIFT, PolyPhen-2, Align-GVGD) all suggest that this variant is likely to be disruptive. In summary, the available evidence is currently insufficient to determine the role of this variant in disease. Therefore, it has been classified as a Variant of Uncertain Significance.

NM_014285.7(EXOSC2):c.194A>C (p.Lys65Thr)

Gene: EXOSC2 (exosome component 2; plus strand). Cytogenetic location: 9q34.12.
Variant type: single nucleotide variant.
Coding change: c.194A>C on transcript NM_014285.7 (MANE Select); coding-DNA position 194, A replaced by C.
Protein change: p.Lys65Thr; replaces lysine 65 with threonine.
Molecular consequence: missense variant. On other transcripts: non-coding transcript variant (1).
Genome position (GRCh38, 1-based): chr9:130,695,563, A>C. VCF-style: chr9-130695563-A-C. GRCh37 (hg19) VCF-style: chr9-133570950-A-C.
Other names: c.194A>C, p.Lys65Thr (NM_001282708.1, NM_001282709.1); c.194A>C (NM_014285.5); short protein forms K65T.
Identifiers: ClinVar variation 2132414 (VCV002132414.2), dbSNP rs1191171883, ClinGen allele CA375246562.
Genomic context (GRCh38, chr9:130,695,563, plus strand): 5'-CGTATATGGGAGAAGAGAAGCTCATTGCATCTGTTGCTGGCTCTGTGGAGAGAGTAAACA[A>C]GTTGATCTGTGTGAAAGCTTTGAAAACCAGGTGAGAACAAAAGGTGTGTATTCCCTTTCT-3'
Protein context (NP_055100.2, residues 55-75): SVAGSVERVN[Lys65Thr]LICVKALKTR